The following is an entry in ClinVar:

ClinVar aggregate classification (germline): Conflicting classifications of pathogenicity. Review status: criteria provided, conflicting classifications (1 of 4 stars). 4 submissions from 4 submitters: Uncertain significance (1); Benign (1); Likely benign (2). Last evaluated 2025-11-13.

Conditions:
Familial thoracic aortic aneurysm and aortic dissection (TAAD). Also called: Thoracic aortic aneurysms and dissections. Identifiers: Orphanet 91387, MedGen C4707243, MONDO:0019625.
Congenital contractural arachnodactyly (CCA). Also called: BEALS SYNDROME; Beals-Hecht syndrome; Arthrogryposis, distal, type 9. Identifiers: Orphanet 115, MedGen C0220668, MONDO:0007363, OMIM 121050.

Allele frequency attached by ClinVar (database versions not stated): TOPMed 0.00002; gnomAD 0.00003 and 0.00001; ExAC 0.00001.
gnomAD v4.1: 23 of 1,613,334 alleles (0.0014%); highest among the groups gnomAD compares: East Asian, 0.0045%; no homozygotes.

Submissions (4):

Labcorp Genetics (formerly Invitae), Labcorp
Classification: Benign for Congenital contractural arachnodactyly. Last evaluated: 2025-11-13. Review status: criteria provided, single submitter. Criteria: Invitae Variant Classification Sherloc (09022015). Collection method: clinical testing. Allele origin: germline.

Blueprint Genetics
Classification: Likely benign. Last evaluated: 2024-07-19. Review status: criteria provided, single submitter. Criteria: ACMG Guidelines, 2015. Collection method: clinical testing. Allele origin: germline.

Ambry Genetics
Classification: Likely benign for Familial thoracic aortic aneurysm and aortic dissection. Last evaluated: 2024-06-21. Review status: criteria provided, single submitter. Criteria: Ambry Variant Classification Scheme 2023. Collection method: clinical testing. Allele origin: germline.

GeneDx
Classification: Uncertain significance. Last evaluated: 2021-04-01. Review status: criteria provided, single submitter. Criteria: GeneDx Variant Classification Process June 2021. Collection method: clinical testing. Allele origin: germline. Affected: yes.
Comment: Has not been previously published as pathogenic or benign to our knowledge; Not observed at a significant frequency in large population cohorts (Lek et al., 2016); In silico analysis, which includes splice predictors and evolutionary conservation, suggests this variant may impact gene splicing. In the absence of RNA/functional studies, the actual effect of this sequence change is unknown.; Reported in ClinVar as a variant of uncertain significance (ClinVar Variant ID# 650840; Landrum et al., 2016)

NM_001999.4(FBN2):c.6558A>G (p.Gln2186=)

Gene: FBN2 (fibrillin 2; minus strand). Cytogenetic location: 5q23.3.
Variant type: single nucleotide variant.
Coding change: c.6558A>G on transcript NM_001999.4 (MANE Select); coding-DNA position 6558, A replaced by G.
Protein change: p.Gln2186=; no amino-acid change (glutamine 2186 retained).
Molecular consequence: synonymous variant.
Genome position (GRCh38, 1-based): chr5:128,289,206, T>C on the plus strand (A>G on the coding strand, the complement: FBN2 is on the minus strand). VCF-style: chr5-128289206-T-C. GRCh37 (hg19) VCF-style: chr5-127624898-T-C.
Identifiers: ClinVar variation 650840 (VCV000650840.16), dbSNP rs757216544, ClinGen allele CA3394373.